The following is an entry in ClinVar:

NM_001114753.3(ENG):c.1696A>G (p.Arg566Gly)

Genes: ENG (endoglin; minus strand), LOC102723566 (uncharacterized LOC102723566; plus strand). Cytogenetic location: 9q34.11.
Variant type: single nucleotide variant.
Coding change: c.1696A>G on transcript NM_001114753.3 (MANE Select); coding-DNA position 1696, A replaced by G.
Protein change: p.Arg566Gly; replaces arginine 566 with glycine.
Molecular consequence: missense variant. On other transcripts: non-coding transcript variant (1).
Genome position (GRCh38, 1-based): chr9:127,817,194, T>C on the plus strand (A>G on the coding strand, the complement: ENG is on the minus strand). VCF-style: chr9-127817194-T-C. GRCh37 (hg19) VCF-style: chr9-130579473-T-C.
Other names: c.1696A>G, p.Arg566Gly (NM_000118.4); c.1150A>G, p.Arg384Gly (NM_001278138.2); c.1696A>G (NM_001114753.1); short protein forms R384G, R566G.
Identifiers: ClinVar variation 1351638 (VCV001351638.10), dbSNP rs1428529909, ClinGen allele CA374973724.
Genomic context (GRCh38, chr9:127,817,194, plus strand): 5'-CTGGAGGGAGCTCACCAGACAGGTCAGGGCTGATGATGTTCAAGCGCATGAAGACAGTCC[T>C]ATGGACTTCCTGGAGGAGAAAGAGAGAGCAGTATGTGGCACCTTTGGGAGGCGGCTTCCA-3'
Protein context (NP_001108225.1, residues 556-576): KTGSQDQEVH[Arg566Gly]TVFMRLNIIS

ClinVar aggregate classification (germline): Uncertain significance. Review status: criteria provided, multiple submitters, no conflicts (2 of 4 stars). 2 submissions from 2 submitters: Uncertain significance (2). Last evaluated 2026-03-06.

Conditions:
Hereditary hemorrhagic telangiectasia (HHT). Also called: ORW DISEASE; Osler Weber Rendu syndrome; OSLER-RENDU-WEBER DISEASE; Osler hemorrhagic telangiectasia syndrome. Identifiers: Orphanet 774, MedGen C0039445, MONDO:0019180. Disease mechanism: loss of function.
Cardiovascular phenotype. Identifiers: MedGen CN230736.

Allele frequency attached by ClinVar (database versions not stated): gnomAD exomes 0.00001; TOPMed below 0.00001; gnomAD 0.00001.
gnomAD v4.1: 8 of 1,614,034 alleles (0.0005%); highest among the groups gnomAD compares: Non-Finnish European, 0.00059%; no homozygotes.

Submissions (2):

Ambry Genetics
Classification: Uncertain significance for Cardiovascular phenotype. Last evaluated: 2026-03-06. Review status: criteria provided, single submitter. Criteria: Ambry Variant Classification Scheme 2023. Collection method: clinical testing. Allele origin: germline.
Comment: The p.R566G variant (also known as c.1696A>G), located in coding exon 13 of the ENG gene, results from an A to G substitution at nucleotide position 1696. The arginine at codon 566 is replaced by glycine, an amino acid with dissimilar properties. This amino acid position is conserved. In addition, this alteration is predicted to be tolerated by in silico analysis. Based on the available evidence, the clinical significance of this variant remains unclear.

Labcorp Genetics (formerly Invitae), Labcorp
Classification: Uncertain significance for Hereditary hemorrhagic telangiectasia. Last evaluated: 2020-11-23. Review status: criteria provided, single submitter. Criteria: Invitae Variant Classification Sherloc (09022015). Collection method: clinical testing. Allele origin: germline.
Comment: In summary, the available evidence is currently insufficient to determine the role of this variant in disease. Therefore, it has been classified as a Variant of Uncertain Significance. Advanced modeling of protein sequence and biophysical properties (such as structural, functional, and spatial information, amino acid conservation, physicochemical variation, residue mobility, and thermodynamic stability) performed at Invitae indicates that this missense variant is not expected to disrupt ENG protein function. This variant has not been reported in the literature in individuals with ENG-related conditions. This variant is not present in population databases (ExAC no frequency). This sequence change replaces arginine with glycine at codon 566 of the ENG protein (p.Arg566Gly). The arginine residue is weakly conserved and there is a moderate physicochemical difference between arginine and glycine.